The following is an entry in ClinVar:

NM_001253852.3(AP4B1):c.1585G>A (p.Val529Ile)

Genes: AP4B1 (adaptor related protein complex 4 subunit beta 1; minus strand), AP4B1-AS1 (AP4B1 antisense RNA 1; plus strand). Cytogenetic location: 1p13.2.
Variant type: single nucleotide variant.
Coding change: c.1585G>A on transcript NM_001253852.3 (MANE Select); coding-DNA position 1585, G replaced by A.
Protein change: p.Val529Ile; replaces valine 529 with isoleucine.
Molecular consequence: missense variant.
Genome position (GRCh38, 1-based): chr1:113,895,964, C>T on the plus strand (G>A on the coding strand, the complement: AP4B1 is on the minus strand). VCF-style: chr1-113895964-C-T. GRCh37 (hg19) VCF-style: chr1-114438586-C-T.
Other names: c.1288G>A, p.Val430Ile (NM_001253853.3); c.1081G>A, p.Val361Ile (NM_001308312.2); c.1585G>A, p.Val529Ile (NM_006594.5); short protein forms V430I, V361I, V529I.
Identifiers: ClinVar variation 2176039 (VCV002176039.4), dbSNP rs1667413226, ClinGen allele CA341709226.

ClinVar aggregate classification (germline): Uncertain significance (1 of 4 stars; one submission).

Conditions:
Hereditary spastic paraplegia 47. Also called: CEREBRAL PALSY, SPASTIC QUADRIPLEGIC, 5; adaptor protein 4 (AP-4) deficiency syndrome; Spastic paraplegia 47, autosomal recessive. Identifiers: Orphanet 280763, MedGen C3279738, MONDO:0013551, OMIM 614066.

Allele frequency attached by ClinVar (database versions not stated): TOPMed below 0.00001.

Submission:

Labcorp Genetics (formerly Invitae), Labcorp
Classification: Uncertain significance for Hereditary spastic paraplegia 47. Last evaluated: 2025-10-13. Review status: criteria provided, single submitter. Criteria: Invitae Variant Classification Sherloc (09022015). Collection method: clinical testing. Allele origin: germline.
Comment: This sequence change replaces valine, which is neutral and non-polar, with isoleucine, which is neutral and non-polar, at codon 529 of the AP4B1 protein (p.Val529Ile). This variant is not present in population databases (gnomAD no frequency). This variant has not been reported in the literature in individuals affected with AP4B1-related conditions. ClinVar contains an entry for this variant (Variation ID: 2176039). Invitae Evidence Modeling of protein sequence and biophysical properties (such as structural, functional, and spatial information, amino acid conservation, physicochemical variation, residue mobility, and thermodynamic stability) indicates that this missense variant is not expected to disrupt AP4B1 protein function with a negative predictive value of 80%. In summary, the available evidence is currently insufficient to determine the role of this variant in disease. Therefore, it has been classified as a Variant of Uncertain Significance.